The following is an entry in ClinVar:

NM_201548.5(CERKL):c.362C>T (p.Thr121Ile)

Gene: CERKL (CERK like autophagy regulator; minus strand). Cytogenetic location: 2q31.3.
Variant type: single nucleotide variant.
Coding change: c.362C>T on transcript NM_201548.5 (MANE Select); coding-DNA position 362, C replaced by T.
Protein change: p.Thr121Ile; replaces threonine 121 with isoleucine.
Molecular consequence: missense variant. On other transcripts: non-coding transcript variant (2).
Genome position (GRCh38, 1-based): chr2:181,603,956, G>A on the plus strand (C>T on the coding strand, the complement: CERKL is on the minus strand). VCF-style: chr2-181603956-G-A. GRCh37 (hg19) VCF-style: chr2-182468683-G-A.
Other names: c.362C>T, p.Thr121Ile (NM_001030311.3, NM_001030312.3, NM_001030313.3 and 1 more transcripts); short protein forms T121I.
Identifiers: ClinVar variation 836024 (VCV000836024.6), dbSNP rs143157602, ClinGen allele CA2010859.

ClinVar aggregate classification (germline): Uncertain significance. Review status: criteria provided, multiple submitters, no conflicts (2 of 4 stars). 3 submissions from 3 submitters: Uncertain significance (2). 1 of the submissions does not count toward it. Last evaluated 2022-11-17.

Conditions:
Retinitis pigmentosa 26 (RP26). Identifiers: Orphanet 791, MedGen C1842127, MONDO:0012024, OMIM 608380.

Allele frequency attached by ClinVar (database versions not stated): gnomAD exomes 0.00003 and 0.00010; ExAC 0.00015; 1000 Genomes Project 30x 0.00016; 1000 Genomes Project 0.00020; ESP Exome Variant Server 0.00038; gnomAD 0.00042 and 0.00044; TOPMed 0.00048.
gnomAD v4.1: 105 of 1,613,260 alleles (0.0065%); highest among the groups gnomAD compares: African/African-American, 0.12%; no homozygotes.

Submissions (3):

Blueprint Genetics
Classification: Uncertain significance. Last evaluated: 2022-11-17. Review status: criteria provided, single submitter. Criteria: ACMG Guidelines, 2015. Collection method: clinical testing. Allele origin: germline.

Labcorp Genetics (formerly Invitae), Labcorp
Classification: Uncertain significance. Last evaluated: 2022-08-31. Review status: criteria provided, single submitter. Criteria: Invitae Variant Classification Sherloc (09022015). Collection method: clinical testing. Allele origin: germline.
Comment: This sequence change replaces threonine, which is neutral and polar, with isoleucine, which is neutral and non-polar, at codon 121 of the CERKL protein (p.Thr121Ile). This variant is present in population databases (rs143157602, gnomAD 0.1%). This variant has not been reported in the literature in individuals affected with CERKL-related conditions. ClinVar contains an entry for this variant (Variation ID: 836024). Algorithms developed to predict the effect of missense changes on protein structure and function are either unavailable or do not agree on the potential impact of this missense change (SIFT: "Tolerated"; PolyPhen-2: "Probably Damaging"; Align-GVGD: "Class C0"). In summary, the available evidence is currently insufficient to determine the role of this variant in disease. Therefore, it has been classified as a Variant of Uncertain Significance.

Natera, Inc.
Classification: Uncertain significance for Retinitis Pigmentosa 26. Last evaluated: 2020-02-13. Review status: no assertion criteria provided. Collection method: clinical testing. Allele origin: germline. Not counted in ClinVar's aggregate classification.